The following is an entry in ClinVar:

ClinVar aggregate classification (germline): Uncertain significance. Review status: criteria provided, multiple submitters, no conflicts (2 of 4 stars). 2 submissions from 2 submitters: Uncertain significance (2). Last evaluated 2026-03-30.

Conditions:
KIDINS220-related disorder. Also called: KIDINS220-related condition.

Allele frequency attached by ClinVar (database versions not stated): ExAC 0.00002; gnomAD 0.00002; TOPMed 0.00003; gnomAD exomes 0.00004; ESP Exome Variant Server 0.00008.
gnomAD v4.1: 56 of 1,603,542 alleles (0.0035%); highest among the groups gnomAD compares: East Asian, 0.023%; no homozygotes.

Submissions (2):

PreventionGenetics, part of Exact Sciences
Classification: Uncertain significance for KIDINS220-related condition. Last evaluated: 2026-03-30. Review status: criteria provided, single submitter. Criteria: ACMG Guidelines, 2015. Collection method: clinical testing. Allele origin: germline.
Comment: The KIDINS220 c.3460G>A variant is predicted to result in the amino acid substitution p.Gly1154Ser. To our knowledge, this variant has not been reported in the literature. This variant is reported in 0.029% of alleles in individuals of East Asian descent in gnomAD. At this time, the clinical significance of this variant is uncertain due to the absence of conclusive functional and genetic evidence.

Labcorp Genetics (formerly Invitae), Labcorp
Classification: Uncertain significance. Last evaluated: 2024-05-31. Review status: criteria provided, single submitter. Criteria: Invitae Variant Classification Sherloc (09022015). Collection method: clinical testing. Allele origin: germline.
Comment: This sequence change replaces glycine, which is neutral and non-polar, with serine, which is neutral and polar, at codon 1154 of the KIDINS220 protein (p.Gly1154Ser). This variant is present in population databases (rs374088731, gnomAD 0.03%). This variant has not been reported in the literature in individuals affected with KIDINS220-related conditions. ClinVar contains an entry for this variant (Variation ID: 2056330). Algorithms developed to predict the effect of missense changes on protein structure and function output the following: SIFT: "Not Available"; PolyPhen-2: "Not Available"; Align-GVGD: "Not Available". The serine amino acid residue is found in multiple mammalian species, which suggests that this missense change does not adversely affect protein function. In summary, the available evidence is currently insufficient to determine the role of this variant in disease. Therefore, it has been classified as a Variant of Uncertain Significance.

NM_020738.4(KIDINS220):c.3460G>A (p.Gly1154Ser)

Gene: KIDINS220 (kinase D interacting substrate 220; minus strand). Cytogenetic location: 2p25.1.
Variant type: single nucleotide variant.
Coding change: c.3460G>A on transcript NM_020738.4 (MANE Select); coding-DNA position 3460, G replaced by A.
Protein change: p.Gly1154Ser; replaces glycine 1154 with serine.
Molecular consequence: missense variant. On other transcripts: non-coding transcript variant (1), intron variant (8).
Genome position (GRCh38, 1-based): chr2:8,747,955, C>T on the plus strand (G>A on the coding strand, the complement: KIDINS220 is on the minus strand). VCF-style: chr2-8747955-C-T. GRCh37 (hg19) VCF-style: chr2-8888085-C-T.
Other names: c.3463G>A, p.Gly1155Ser (NM_001348729.2, NM_001348731.2); c.3460G>A, p.Gly1154Ser (NM_001348732.2, NM_001348738.2); c.3414+2157G>A (NM_001348741.2, NM_001348742.2, NM_001348743.2 and 1 more transcripts); c.3417+2157G>A (NM_001348739.2, NM_001348740.2, NM_001348734.2); c.3288+2157G>A (NM_001348736.2); c.3460G>A (NM_020738.2); short protein forms G1155S, G1154S.
Identifiers: ClinVar variation 2056330 (VCV002056330.5), dbSNP rs374088731, ClinGen allele CA1519642.